The following is an entry in ClinVar:

ClinVar aggregate classification (germline): Pathogenic (1 of 4 stars; one submission).

Submission:

Labcorp Genetics (formerly Invitae), Labcorp
Classification: Pathogenic. Last evaluated: 2019-12-24. Review status: criteria provided, single submitter. Criteria: Invitae Variant Classification Sherloc (09022015). Collection method: clinical testing. Allele origin: germline.
Comment: Loss-of-function variants in ADGRV1 are known to be pathogenic (PMID: 19357117, 22135276, 22147658). This variant has not been reported in the literature in individuals with ADGRV1-related conditions. This variant is not present in population databases (ExAC no frequency). This sequence change creates a premature translational stop signal (p.Gly5032Profs*6) in the ADGRV1 gene. It is expected to result in an absent or disrupted protein product. For these reasons, this variant has been classified as Pathogenic.

Literature cited by the submitters: PubMed 19357117; PubMed 22135276; PubMed 22147658.

NM_032119.4(ADGRV1):c.15094_15098del (p.Gly5032fs)

Gene: ADGRV1 (adhesion G protein-coupled receptor V1; plus strand). Cytogenetic location: 5q14.3.
Variant type: Deletion.
Coding change: c.15094_15098del on transcript NM_032119.4 (MANE Select); coding-DNA positions 15094 to 15098, 5 bases deleted (GGGTT; older notation c.15094_15098delGGGTT).
Protein change: p.Gly5032fs; shifts the reading frame from glycine 5032.
Molecular consequence: frameshift variant. On other transcripts: non-coding transcript variant (1).
Genome position (GRCh38, 1-based): chr5:90,810,354-90,810,358, GGGTT deleted; deleting any 5 consecutive bases within chr5:90,810,352-90,810,358 gives the same sequence; the c. name uses the placement nearest the transcript's 3' end. VCF-style (leftmost placement, unchanged base first): chr5-90810351-TTTGGG-T. GRCh37 (hg19) VCF-style: chr5-90106168-TTTGGG-T.
Other names: short protein forms G5032fs.
Identifiers: ClinVar variation 857276 (VCV000857276.8), dbSNP rs1762326343, ClinGen allele CA916082744.